The following is an entry in ClinVar:

ClinVar aggregate classification (germline): Uncertain significance. Review status: criteria provided, single submitter (1 of 4 stars). 2 submissions from 2 submitters: Uncertain significance (1). 1 of the submissions does not count toward it. Last evaluated 2024-12-06.

Conditions:
Walker-Warburg congenital muscular dystrophy. Also called: Muscular dystrophy-dystroglycanopathy, type A; Walker-Warburg syndrome. Identifiers: Orphanet 899, MedGen C0265221, MONDO:0000171.

gnomAD v4.1: 1 of 1,611,344 alleles (0.000062%); highest among the groups gnomAD compares: Non-Finnish European, 0.000085%; no homozygotes.

Submissions (2):

Labcorp Genetics (formerly Invitae), Labcorp
Classification: Uncertain significance for Walker-Warburg congenital muscular dystrophy. Last evaluated: 2024-12-06. Review status: criteria provided, single submitter. Criteria: Invitae Variant Classification Sherloc (09022015). Collection method: clinical testing. Allele origin: germline.
Comment: This sequence change replaces valine, which is neutral and non-polar, with leucine, which is neutral and non-polar, at codon 349 of the FKTN protein (p.Val349Leu). This variant is not present in population databases (gnomAD no frequency). This variant has not been reported in the literature in individuals affected with FKTN-related conditions. ClinVar contains an entry for this variant (Variation ID: 1041587). Invitae Evidence Modeling of protein sequence and biophysical properties (such as structural, functional, and spatial information, amino acid conservation, physicochemical variation, residue mobility, and thermodynamic stability) indicates that this missense variant is not expected to disrupt FKTN protein function with a negative predictive value of 95%. Algorithms developed to predict the effect of sequence changes on RNA splicing suggest that this variant may disrupt the consensus splice site. In summary, the available evidence is currently insufficient to determine the role of this variant in disease. Therefore, it has been classified as a Variant of Uncertain Significance.

Natera, Inc.
Classification: Uncertain significance for Walker-Warburg congenital muscular dystrophy. Last evaluated: 2020-09-18. Review status: no assertion criteria provided. Collection method: clinical testing. Allele origin: germline. Not counted in ClinVar's aggregate classification.

NM_001079802.2(FKTN):c.1045G>C (p.Val349Leu)

Gene: FKTN (fukutin; plus strand). Cytogenetic location: 9q31.2.
Variant type: single nucleotide variant.
Coding change: c.1045G>C on transcript NM_001079802.2 (MANE Select); coding-DNA position 1045, G replaced by C.
Protein change: p.Val349Leu; replaces valine 349 with leucine.
Molecular consequence: missense variant. On other transcripts: non-coding transcript variant (2).
Genome position (GRCh38, 1-based): chr9:105,619,934, G>C. VCF-style: chr9-105619934-G-C. GRCh37 (hg19) VCF-style: chr9-108382215-G-C.
Other names: c.1045G>C, p.Val349Leu (NM_001198963.2, NM_001351496.2, NM_001351498.2 and 1 more transcripts); c.976G>C, p.Val326Leu (NM_001351497.2); c.649G>C, p.Val217Leu (NM_001351499.2, NM_001351500.2, NM_001351501.2 and 1 more transcripts); short protein forms V217L, V326L, V349L.
Identifiers: ClinVar variation 1041587 (VCV001041587.12), dbSNP rs1831549660, ClinGen allele CA374377693.